The following is an entry in ClinVar:

ClinVar aggregate classification (germline): Pathogenic (1 of 4 stars; one submission).

Conditions:
Spastic paraplegia. Identifiers: MedGen C0037772, HP:0001258.

Submission:

Labcorp Genetics (formerly Invitae), Labcorp
Classification: Pathogenic for Spastic paraplegia. Last evaluated: 2024-01-24. Review status: criteria provided, single submitter. Criteria: Invitae Variant Classification Sherloc (09022015). Collection method: clinical testing. Allele origin: germline.
Comment: This sequence change creates a premature translational stop signal (p.Gln635*) in the KIF5A gene. It is expected to result in an absent or disrupted protein product. Loss-of-function variants in KIF5A are known to be pathogenic (PMID: 26374131). This variant is not present in population databases (gnomAD no frequency). This variant has not been reported in the literature in individuals affected with KIF5A-related conditions. Algorithms developed to predict the effect of sequence changes on RNA splicing suggest that this variant may disrupt the consensus splice site. For these reasons, this variant has been classified as Pathogenic.

Literature cited by the submitters: PubMed 26374131.

NM_004984.4(KIF5A):c.1901_1905delCTCAG (p.Ser634_Gln635insTer)

Gene: KIF5A (kinesin family member 5A; plus strand). Cytogenetic location: 12q13.3.
Variant type: Deletion.
Coding change: c.1901_1905delCTCAG on transcript NM_004984.4 (MANE Select); coding-DNA positions 1901 to 1905, 5 bases deleted (CTCAG).
Protein change: p.Ser634_Gln635insTer.
Molecular consequence: frameshift variant.
Genome position (GRCh38, 1-based): chr12:57,575,268-57,575,272, CTCAG deleted. VCF-style (leftmost placement, unchanged base first): chr12-57575267-TCTCAG-T. GRCh37 (hg19) VCF-style: chr12-57969050-TCTCAG-T.
Other names: c.1634_1638delCTCAG, p.Ser545_Gln546insTer (NM_001354705.2).
Identifiers: ClinVar variation 2132423 (VCV002132423.4), dbSNP rs2540508034, ClinGen allele CA2575004335.
Genomic context (GRCh38, chr12:57,575,267, plus strand): 5'-GAGTGTCACCGCAAGATGGAAGTGACCGGGCGGGAGCTCTCATCCTGCCAGCTCCTCATC[TCTCAG>T]GTGAGTGCCTAAGTTTGAGAACCTTCAGATGCCATGGGAGAAAGAAGGCTACTCTGGGGT-3'